The following is an entry in ClinVar:

ClinVar aggregate classification (germline): Likely benign. Review status: criteria provided, multiple submitters, no conflicts (2 of 4 stars). 2 submissions from 2 submitters: Likely benign (2). Last evaluated 2024-10-11.

Conditions:
Hereditary diffuse gastric adenocarcinoma (HDGC). Also called: DIFFUSE GASTRIC AND LOBULAR BREAST CANCER SYNDROME. Identifiers: Orphanet 26106, MedGen C1708349, MONDO:0007648, OMIM 137215.

Submissions (2):

Myriad Genetics, Inc.
Classification: Likely benign for Hereditary diffuse gastric adenocarcinoma. Last evaluated: 2024-10-11. Review status: criteria provided, single submitter. Criteria: Myriad Autosomal Dominant, Autosomal Recessive and X-Linked Classification Criteria (2023). Collection method: clinical testing. Allele origin: unknown.
Comment: This variant is considered likely benign. This variant is intronic and is not expected to impact mRNA splicing.

Labcorp Genetics (formerly Invitae), Labcorp
Classification: Likely benign. Last evaluated: 2022-11-09. Review status: criteria provided, single submitter. Criteria: Invitae Variant Classification Sherloc (09022015). Collection method: clinical testing. Allele origin: germline.

NM_001903.5(CTNNA1):c.1297-10del

Gene: CTNNA1 (catenin alpha 1; plus strand). Cytogenetic location: 5q31.2.
Variant type: Deletion.
Coding change: c.1297-10del on transcript NM_001903.5 (MANE Select); 10 bases into the intron before coding-DNA position 1297, one base deleted (A; older notation c.1297-10delA).
Molecular consequence: intron variant.
Genome position (GRCh38, 1-based): chr5:138,904,339, A deleted. VCF-style (leftmost placement, unchanged base first): chr5-138904338-TA-T. GRCh37 (hg19) VCF-style: chr5-138240027-TA-T.
Other names: c.1297-10del (NM_001323982.2, NM_001323984.2, NM_001290307.3 and 2 more transcripts); c.1297-13403del (NM_001323986.2); c.928-10del (NM_001290310.3); c.988-10del (NM_001290309.3); c.187-10del (NM_001323996.1, NM_001323993.1, NM_001324005.1 and 17 more transcripts); c.-211-10del (NM_001324007.1, NM_001324009.1, NM_001324006.1 and 1 more transcripts); c.-57-10del (NM_001324013.1, NM_001324012.1); c.187-13403del (NM_001324011.1); and 1 more.
Identifiers: ClinVar variation 1117490 (VCV001117490.10), dbSNP rs2150139910, ClinGen allele CA2499217656.
Genomic context (GRCh38, chr5:138,904,338, plus strand): 5'-GGCCAGGTGTGTGTTTTTTCCTTAGCAGTCAAAAGAGAAAAATCTTTAAAGATTATTTTT[TA>T]TGTTTATAGGTTGCCAACTTGGCCTGTTCCATCTCAAATAATGAAGAAGGTGTAAAGCTT-3'